The following is an entry in ClinVar:

ClinVar aggregate classification (germline): Uncertain significance (1 of 4 stars; one submission).

Conditions:
Hereditary cancer-predisposing syndrome. Also called: Hereditary neoplastic syndrome; Hereditary Cancer Syndrome; Neoplastic Syndromes, Hereditary; Tumor predisposition. Identifiers: Orphanet 140162, MedGen C0027672, MeSH D009386, MONDO:0015356.

Allele frequency attached by ClinVar (database versions not stated): gnomAD exomes below 0.00001.
gnomAD v4.1: 1 of 1,613,500 alleles (0.000062%); highest among the groups gnomAD compares: Admixed American, 0.0017%; no homozygotes.

Submission:

Ambry Genetics
Classification: Uncertain significance for Hereditary cancer-predisposing syndrome. Last evaluated: 2024-05-12. Review status: criteria provided, single submitter. Criteria: Ambry Variant Classification Scheme 2023. Collection method: clinical testing. Allele origin: germline.
Comment: The p.V643L variant (also known as c.1927G>T) is located in coding exon 17 of the MRE11A gene. The valine at codon 643 is replaced by leucine, an amino acid with highly similar properties. This change occurs in the first base pair of coding exon 17. This amino acid position is not well conserved in available vertebrate species. In addition, this alteration is predicted to be tolerated by in silico analysis. Since supporting evidence is limited at this time, the clinical significance of this alteration remains unclear.

NM_005591.4(MRE11):c.1927G>T (p.Val643Leu)

Gene: MRE11 (MRE11 double strand break repair nuclease; minus strand). Cytogenetic location: 11q21.
Variant type: single nucleotide variant.
Coding change: c.1927G>T on transcript NM_005591.4 (MANE Select); coding-DNA position 1927, G replaced by T.
Protein change: p.Val643Leu; replaces valine 643 with leucine.
Molecular consequence: missense variant.
Genome position (GRCh38, 1-based): chr11:94,435,899, C>A on the plus strand (G>T on the coding strand, the complement: MRE11 is on the minus strand). VCF-style: chr11-94435899-C-A. GRCh37 (hg19) VCF-style: chr11-94169065-C-A.
Other names: c.1924G>T, p.Val642Leu (NM_001330347.2); c.1843G>T, p.Val615Leu (NM_005590.4); short protein forms V643L, V615L, V642L.
Identifiers: ClinVar variation 229740 (VCV000229740.6), dbSNP rs876658165, ClinGen allele CA10579360.